The following is an entry in ClinVar:

NM_002109.6(HARS1):c.61C>T (p.Leu21Phe)

Genes: HARS1 (histidyl-tRNA synthetase 1; minus strand), HARS2 (histidyl-tRNA synthetase 2, mitochondrial; plus strand), LOC129994848 (ATAC-STARR-seq lymphoblastoid active region 23285; plus strand). Cytogenetic location: 5q31.3.
Variant type: single nucleotide variant.
Coding change: c.61C>T on transcript NM_002109.6 (MANE Select); coding-DNA position 61, C replaced by T.
Protein change: p.Leu21Phe; replaces leucine 21 with phenylalanine.
Molecular consequence: missense variant. On other transcripts: intron variant (1).
Genome position (GRCh38, 1-based): chr5:140,691,244, G>A on the plus strand (C>T on the coding strand, the complement: HARS1 is on the minus strand). VCF-style: chr5-140691244-G-A. GRCh37 (hg19) VCF-style: chr5-140070829-G-A.
Other names: c.61C>T, p.Leu21Phe (NM_001258040.3, NM_001258041.3, NM_001258042.3 and 2 more transcripts); c.3+58C>T (NM_001289094.2); short protein forms L21F.
Identifiers: ClinVar variation 647038 (VCV000647038.13), dbSNP rs762976181, ClinGen allele CA3444228.
Genomic context (GRCh38, chr5:140,691,244, plus strand): 5'-TTGGCCCTCTCCCCTGCTGCCTAAATCTCACCAGCTCGGCGCTGGCCTTCTGCTGCTTGA[G>A]GCCTCGCACGCGCTCTCCCTGAAGTTTCACCAGCTCCTCCAGCGCCGCACGCTCTGCCAT-3'
Protein context (NP_002100.2, residues 11-31): VKLQGERVRG[Leu21Phe]KQQKASAELI

ClinVar aggregate classification (germline): Uncertain significance. Review status: criteria provided, multiple submitters, no conflicts (2 of 4 stars). 2 submissions from 2 submitters: Uncertain significance (2). Last evaluated 2026-08-12.

Conditions:
Usher syndrome type 3B. Also called: USHER SYNDROME, TYPE IIIB. Identifiers: MedGen C3281066, MONDO:0013788, OMIM 614504.

Allele frequency attached by ClinVar (database versions not stated): ExAC 0.00001; gnomAD 0.00001; gnomAD exomes 0.00001 and 0.00002; TOPMed 0.00001.

Submissions (2):

GeneDx
Classification: Uncertain significance. Last evaluated: 2026-08-12. Review status: criteria provided, single submitter. Criteria: GeneDx Variant Classification Process June 2021. Collection method: clinical testing. Allele origin: germline.
Comment: In silico analysis suggests that this missense variant does not alter protein structure/function; Has not been previously published as pathogenic or benign to our knowledge

Labcorp Genetics (formerly Invitae), Labcorp
Classification: Uncertain significance for Usher syndrome type 3B. Last evaluated: 2025-07-20. Review status: criteria provided, single submitter. Criteria: Invitae Variant Classification Sherloc (09022015). Collection method: clinical testing. Allele origin: germline.
Comment: This sequence change replaces leucine, which is neutral and non-polar, with phenylalanine, which is neutral and non-polar, at codon 21 of the HARS protein (p.Leu21Phe). This variant is present in population databases (rs762976181, gnomAD 0.003%). This variant has not been reported in the literature in individuals affected with HARS-related conditions. ClinVar contains an entry for this variant (Variation ID: 647038). An algorithm developed to predict the effect of missense changes on protein structure and function (PolyPhen-2) suggests that this variant is likely to be disruptive. In summary, the available evidence is currently insufficient to determine the role of this variant in disease. Therefore, it has been classified as a Variant of Uncertain Significance.